The following is an entry in ClinVar:

NM_001128425.2(MUTYH):c.36+1G>T

Genes: MUTYH (mutY DNA glycosylase; minus strand), TOE1 (target of EGR1, exonuclease; plus strand). Cytogenetic location: 1p34.1.
Variant type: single nucleotide variant.
Coding change: c.36+1G>T on transcript NM_001128425.2 (MANE Plus Clinical); the canonical splice donor site of the intron after coding-DNA position 36, G replaced by T.
Molecular consequence: splice donor variant. On other transcripts: 5 prime UTR variant (3), intron variant (1).
Genome position (GRCh38, 1-based): chr1:45,340,218, C>A on the plus strand (G>T on the coding strand, the complement: MUTYH is on the minus strand). VCF-style: chr1-45340218-C-A. GRCh37 (hg19) VCF-style: chr1-45805890-C-A.
Other names: c.-35C>A (NM_025077.4); c.-22G>T (NM_001407070.1, NM_001407071.1); c.-7+5G>T (NM_001407072.1); c.-214+1G>T (NM_001350651.2); c.-219+1G>T (NM_001293192.2); c.-278+1G>T (NM_001350650.2); c.36+1G>T (NM_001407073.1, NM_001293190.2, NM_001407069.1 and 1 more transcripts); c.-7+1G>T (NM_001048171.2).
Identifiers: ClinVar variation 3074953 (VCV003074953.1), dbSNP rs1553136984, ClinGen allele CA340137822.

ClinVar aggregate classification (germline): Likely pathogenic (1 of 4 stars; one submission).

Conditions:
Familial adenomatous polyposis 2. Also called: FAP type 2; MUTYH-associated polyposis; MUTYH-related attenuated familial adenomatous polyposis; MUTYH Polyposis; Adenomas, multiple colorectal; COLORECTAL ADENOMATOUS POLYPOSIS, AUTOSOMAL RECESSIVE. Identifiers: Orphanet 220460, Orphanet 247798, MedGen C3272841, MONDO:0012041, OMIM 608456.

Submission:

All of Us Research Program, National Institutes of Health
Classification: Likely pathogenic for Familial adenomatous polyposis 2. Last evaluated: 2024-01-11. Review status: criteria provided, single submitter. Criteria: ACMG Guidelines, 2015. Collection method: clinical testing. Allele origin: germline. Inheritance: Autosomal recessive inheritance. Observed: 1 variant allele, 1 heterozygote.
Comment: This study involves interpretation of variants in research participants for the purpose of population health screening. Participant phenotype was not available at the time of variant classification. Additional details can be found in publication PMID: 35346344, PMCID: PMC8962531